The following is an entry in ClinVar:

ClinVar aggregate classification (germline): Uncertain significance (1 of 4 stars; one submission).

Conditions:
Hereditary cancer-predisposing syndrome. Also called: Neoplastic Syndromes, Hereditary; Tumor predisposition; Hereditary Cancer Syndrome; Hereditary neoplastic syndrome. Identifiers: Orphanet 140162, MedGen C0027672, MeSH D009386, MONDO:0015356.

gnomAD v4.1: 1 of 1,613,382 alleles (0.000062%); highest among the groups gnomAD compares: Non-Finnish European, 0.000085%; no homozygotes.

Submission:

Ambry Genetics
Classification: Uncertain significance for Hereditary cancer-predisposing syndrome. Last evaluated: 2025-11-30. Review status: criteria provided, single submitter. Criteria: Ambry Variant Classification Scheme 2023. Collection method: clinical testing. Allele origin: germline.
Comment: The p.R218G variant (also known as c.652A>G), located in coding exon 6 of the NBN gene, results from an A to G substitution at nucleotide position 652. The arginine at codon 218 is replaced by glycine, an amino acid with dissimilar properties. This amino acid position is conserved. In addition, this alteration is predicted to be deleterious by in silico analysis. Based on the available evidence, the clinical significance of this variant remains unclear.

NM_002485.5(NBN):c.652A>G (p.Arg218Gly)

Gene: NBN (nibrin; minus strand). Cytogenetic location: 8q21.3.
Variant type: single nucleotide variant.
Coding change: c.652A>G on transcript NM_002485.5 (MANE Select); coding-DNA position 652, A replaced by G.
Protein change: p.Arg218Gly; replaces arginine 218 with glycine.
Molecular consequence: missense variant.
Genome position (GRCh38, 1-based): chr8:89,971,223, T>C on the plus strand (A>G on the coding strand, the complement: NBN is on the minus strand). VCF-style: chr8-89971223-T-C. GRCh37 (hg19) VCF-style: chr8-90983451-T-C.
Other names: c.406A>G, p.Arg136Gly (NM_001024688.3, NM_001440379.1, NM_001440380.1); short protein forms R218G, R136G.
Identifiers: ClinVar variation 4660742 (VCV004660742.1).